The following is an entry in ClinVar:

ClinVar aggregate classification (germline): Uncertain significance (1 of 4 stars; one submission).

Submission:

Labcorp Genetics (formerly Invitae), Labcorp
Classification: Uncertain significance. Last evaluated: 2022-11-08. Review status: criteria provided, single submitter. Criteria: Invitae Variant Classification Sherloc (09022015). Collection method: clinical testing. Allele origin: germline.
Comment: In summary, the available evidence is currently insufficient to determine the role of this variant in disease. Therefore, it has been classified as a Variant of Uncertain Significance. Experimental studies and prediction algorithms are not available or were not evaluated, and the functional significance of this variant is currently unknown. ClinVar contains an entry for this variant (Variation ID: 1370433). This variant has not been reported in the literature in individuals affected with PIGP-related conditions. This variant is not present in population databases (gnomAD no frequency). This sequence change affects the initiator methionine of the PIGP mRNA. The next in-frame methionine is located at codon 25.

NM_153682.3(PIGP):c.-22-48G>C

Genes: PIGP (phosphatidylinositol glycan anchor biosynthesis class P; minus strand), LOC130066643 (ATAC-STARR-seq lymphoblastoid silent region 13296; plus strand). Cytogenetic location: 21q22.13.
Variant type: single nucleotide variant.
Coding change: c.-22-48G>C on transcript NM_153682.3 (MANE Select); 48 bases into the intron before 22 bases upstream of the start codon, G replaced by C.
Molecular consequence: intron variant. On other transcripts: missense variant (1), initiator codon variant (1).
Genome position (GRCh38, 1-based): chr21:37,072,585, C>G on the plus strand (G>C on the coding strand, the complement: PIGP is on the minus strand). VCF-style: chr21-37072585-C-G. GRCh37 (hg19) VCF-style: chr21-38444885-C-G.
Other names: c.3G>C, p.Met1Ile (NM_153681.2); c.-266-48G>C (NM_016430.4); c.-22-48G>C (NM_001320480.2); short protein forms M1I.
Identifiers: ClinVar variation 1370433 (VCV001370433.6), dbSNP rs1601136509, ClinGen allele CA409921901.